The following is an entry in ClinVar:

ClinVar aggregate classification (germline): Uncertain significance (1 of 4 stars; one submission).

gnomAD v4.1: 1 of 1,557,074 alleles (0.000064%); highest among the groups gnomAD compares: African/African-American, 0.0017%; no homozygotes.

Submission:

Labcorp Genetics (formerly Invitae), Labcorp
Classification: Uncertain significance. Last evaluated: 2025-02-27. Review status: criteria provided, single submitter. Criteria: Invitae Variant Classification Sherloc (09022015). Collection method: clinical testing. Allele origin: germline.
Comment: This sequence change replaces glutamine, which is neutral and polar, with leucine, which is neutral and non-polar, at codon 575 of the KMT2B protein (p.Gln575Leu). This variant is not present in population databases (gnomAD no frequency). This variant has not been reported in the literature in individuals affected with KMT2B-related conditions. Invitae Evidence Modeling of protein sequence and biophysical properties (such as structural, functional, and spatial information, amino acid conservation, physicochemical variation, residue mobility, and thermodynamic stability) indicates that this missense variant is not expected to disrupt KMT2B protein function with a negative predictive value of 95%. In summary, the available evidence is currently insufficient to determine the role of this variant in disease. Therefore, it has been classified as a Variant of Uncertain Significance.

NM_014727.3(KMT2B):c.1724A>T (p.Gln575Leu)

Gene: KMT2B (lysine methyltransferase 2B; plus strand). Cytogenetic location: 19q13.12.
Variant type: single nucleotide variant.
Coding change: c.1724A>T on transcript NM_014727.3 (MANE Select); coding-DNA position 1724, A replaced by T.
Protein change: p.Gln575Leu; replaces glutamine 575 with leucine.
Molecular consequence: missense variant.
Genome position (GRCh38, 1-based): chr19:35,721,071, A>T. VCF-style: chr19-35721071-A-T. GRCh37 (hg19) VCF-style: chr19-36211973-A-T.
Other names: short protein forms Q575L.
Identifiers: ClinVar variation 4804113 (VCV004804113.1).